The following is an entry in ClinVar:

NM_000038.6(APC):c.4702GAT[3] (p.Asp1571del)

Gene: APC (APC regulator of Wnt signaling pathway; plus strand). Cytogenetic location: 5q22.2.
Variant type: Microsatellite.
Coding change: c.4702GAT[3] on transcript NM_000038.6 (MANE Select); three copies in a row of the 3-base unit GAT starting at c.4702; the reference has four copies in a row; one copy, 3 bases deleted; also written c.4711_4713del.
Protein change: p.Asp1571del; deletes aspartic acid 1571.
Molecular consequence: inframe deletion.
Genome position (GRCh38, 1-based): chr5:112,840,305-112,840,307, GAT deleted; deleting any 3 consecutive bases within chr5:112,840,296-112,840,307 gives the same sequence; the position shown is the placement nearest the transcript's 3' end. VCF-style (leftmost placement, unchanged base first): chr5-112840295-AGAT-A. GRCh37 (hg19) VCF-style: chr5-112175992-AGAT-A.
Other names: c.4711_4713del (NM_000038.6, NM_000038.5); c.4711_4713delGAT (NM_000038.6); c.4702GAT[3], p.Asp1571del (NM_001127510.3, NM_001354895.2); c.4648GAT[3], p.Asp1553del (NM_001127511.3); c.4756GAT[3], p.Asp1589del (NM_001354896.2); c.4732GAT[3], p.Asp1581del (NM_001354897.2); c.4627GAT[3], p.Asp1546del (NM_001354898.2); c.4618GAT[3], p.Asp1543del (NM_001354899.2); and 7 more; short protein forms D1553del, D1571del, D1530del, D1589del, D1445del, D1470del, D1581del, D1543del.
Identifiers: ClinVar variation 143006 (VCV000143006.33), dbSNP rs587782888, ClinGen allele CA009707.

ClinVar aggregate classification (germline): Conflicting classifications of pathogenicity. Review status: criteria provided, conflicting classifications (1 of 4 stars). 9 submissions from 9 submitters: Uncertain significance (8); Likely benign (1). Last evaluated 2026-09-26.

Conditions:
APC-related disorder. Also called: APC-related condition.
Hereditary cancer-predisposing syndrome. Also called: Tumor predisposition; Neoplastic Syndromes, Hereditary; Hereditary neoplastic syndrome; Hereditary Cancer Syndrome. Identifiers: Orphanet 140162, MedGen C0027672, MeSH D009386, MONDO:0015356.
Familial adenomatous polyposis 1 (FAP1). Also called: FAMILIAL ADENOMATOUS POLYPOSIS 1, ATTENUATED; POLYPOSIS, ADENOMATOUS INTESTINAL. Identifiers: MedGen C2713442, MONDO:0021056, OMIM 175100. Disease mechanism: loss of function.

Submissions (9):

PreventionGenetics, part of Exact Sciences
Classification: Uncertain significance for APC-related condition. Last evaluated: 2026-09-26. Review status: criteria provided, single submitter. Criteria: ACMG Guidelines, 2015. Collection method: clinical testing. Allele origin: germline.
Comment: The APC c.4711_4713delGAT variant is predicted to result in an in-frame deletion (p.Asp1571del). This variant has been reported in an individual with clinical features consistent with Lynch syndrome (Yurgelun et al. 2015. PubMed ID: 25980754). It is reported in 0.0029% of alleles in individuals of Latino descent in gnomAD and has conflicting interpretations in ClinVar ranging from likely benign to uncertain (Variation ID: 143006). At this time, the clinical significance of this variant is uncertain due to the absence of conclusive functional and genetic evidence.

Labcorp Genetics (formerly Invitae), Labcorp
Classification: Uncertain significance for Familial adenomatous polyposis 1. Last evaluated: 2025-11-17. Review status: criteria provided, single submitter. Criteria: Invitae Variant Classification Sherloc (09022015). Collection method: clinical testing. Allele origin: germline.
Comment: This variant, c.4711_4713del, results in the deletion of 1 amino acid(s) of the APC protein (p.Asp1571del), but otherwise preserves the integrity of the reading frame. This variant is present in population databases (rs587782888, gnomAD 0.003%). This variant has been observed in individual(s) with APC-related conditions (PMID: 25980754). ClinVar contains an entry for this variant (Variation ID: 143006). Experimental studies and prediction algorithms are not available or were not evaluated, and the functional significance of this variant is currently unknown. In summary, the available evidence is currently insufficient to determine the role of this variant in disease. Therefore, it has been classified as a Variant of Uncertain Significance.

Ambry Genetics
Classification: Uncertain significance for Hereditary cancer-predisposing syndrome. Last evaluated: 2025-08-15. Review status: criteria provided, single submitter. Criteria: Ambry Variant Classification Scheme 2023. Collection method: clinical testing. Allele origin: germline.
Comment: The c.4711_4713delGAT variant (also known as p.D1571del) is located in coding exon 15 of the APC gene. This variant results from an in-frame GAT deletion at nucleotide positions 4711 to 4713. This results in the in-frame deletion of an aspartic acid at codon 1571. This amino acid position is highly conserved in available vertebrate species. In addition, this alteration is predicted to be neutral by in silico analysis (Choi Y et al. PLoS ONE. 2012; 7(10):e46688). Based on the available evidence, the clinical significance of this variant remains unclear.

Quest Diagnostics Nichols Institute San Juan Capistrano
Classification: Uncertain significance. Last evaluated: 2025-05-15. Review status: criteria provided, single submitter. Criteria: Quest Diagnostics criteria. Collection method: clinical testing. Allele origin: unknown.
Comment: The APC c.4711_4713del (p.Asp1571del) variant has been reported in the published literature in an individual affected with a Lynch syndrome associated cancer and/or polyps (PMID: 25980754 (2015)). The frequency of this variant in the general population (Genome Aggregation Database) is uninformative in the assessment of its pathogenicity. Based on the available information, we are unable to determine the clinical significance of this variant.

Center for Genomic Medicine, Rigshospitalet, Copenhagen University Hospital
Classification: Likely benign. Last evaluated: 2025-03-04. Review status: criteria provided, single submitter. Criteria: ACMG Guidelines, 2015. Collection method: clinical testing. Allele origin: germline.

Color Diagnostics, LLC DBA Color Health
Classification: Uncertain significance for Hereditary cancer-predisposing syndrome. Last evaluated: 2024-09-18. Review status: criteria provided, single submitter. Criteria: ACMG Guidelines, 2015. Collection method: clinical testing. Allele origin: germline.
Comment: This variant causes an in-frame deletion of one amino acid of the APC gene. To our knowledge, functional studies have not been reported for this variant. This variant has not been reported in individuals affected with APC-related disorders in the literature. This variant has been identified in 1/250660 chromosomes in the general population by the Genome Aggregation Database (gnomAD). The available evidence is insufficient to determine the role of this variant in disease conclusively. Therefore, this variant is classified as a Variant of Uncertain Significance.

Baylor Genetics
Classification: Uncertain significance for Familial adenomatous polyposis 1. Last evaluated: 2023-12-29. Review status: criteria provided, single submitter. Criteria: ACMG Guidelines, 2015. Collection method: clinical testing. Allele origin: unknown.

Mendelics
Classification: Uncertain significance. Last evaluated: 2022-05-04. Review status: criteria provided, single submitter. Criteria: Mendelics Assertion Criteria 2019. Collection method: clinical testing. Allele origin: germline.

GeneDx
Classification: Uncertain significance. Last evaluated: 2019-04-30. Review status: criteria provided, single submitter. Criteria: GeneDx Variant Classification Process June 2021. Collection method: clinical testing. Allele origin: germline. Affected: yes.
Comment: Not observed at a significant frequency in large population cohorts (Lek et al., 2016); Variant located in the 20-aa repeat B-catenin down-regulating domain and the SAMP repeats/axin binding domain (Azzopardi 2008); This variant is associated with the following publications: (PMID: 25980754)

Literature cited by the submitters: PubMed 25980754 (cited by Labcorp Genetics (formerly Invitae), Labcorp and Quest Diagnostics Nichols Institute San Juan Capistrano).